The following is an entry in ClinVar:

NM_001042517.2(DIAPH3):c.3278_3279delinsTG (p.Ser1093Met)

Gene: DIAPH3 (diaphanous related formin 3; minus strand). Cytogenetic location: 13q21.2.
Variant type: Indel.
Coding change: c.3278_3279delinsTG on transcript NM_001042517.2 (MANE Select); coding-DNA positions 3278 to 3279, GT replaced by TG.
Protein change: p.Ser1093Met; replaces serine 1093 with methionine.
Molecular consequence: missense variant.
Genome position (GRCh38, 1-based): chr13:59,774,229-59,774,230, AC replaced by CA on the plus strand (GT replaced by TG on the coding strand, the reverse complement: DIAPH3 is on the minus strand). VCF-style: chr13-59774229-AC-CA. GRCh37 (hg19) VCF-style: chr13-60348363-AC-CA.
Other names: c.3245_3246delinsTG, p.Ser1082Met (NM_001258366.2); c.3140_3141delinsTG, p.Ser1047Met (NM_001258367.2); c.3068_3069delinsTG, p.Ser1023Met (NM_001258368.2); c.3278_3279delinsTG, p.Ser1093Met (NM_001258369.2); c.2489_2490delinsTG, p.Ser830Met (NM_030932.4); short protein forms S1047M, S1093M, S1082M, S1023M, S830M.
Identifiers: ClinVar variation 2916662 (VCV002916662.3), dbSNP rs2502160181, ClinGen allele CA2739277647.

ClinVar aggregate classification (germline): Uncertain significance (1 of 4 stars; one submission).

Submission:

Labcorp Genetics (formerly Invitae), Labcorp
Classification: Uncertain significance. Last evaluated: 2024-02-19. Review status: criteria provided, single submitter. Criteria: Invitae Variant Classification Sherloc (09022015). Collection method: clinical testing. Allele origin: germline.
Comment: This sequence change replaces serine, which is neutral and polar, with methionine, which is neutral and non-polar, at codon 1093 of the DIAPH3 protein (p.Ser1093Met). This variant is present in population databases (no rsID available, gnomAD 0.002%). This variant has not been reported in the literature in individuals affected with DIAPH3-related conditions. An algorithm developed to predict the effect of missense changes on protein structure and function (PolyPhen-2) suggests that this variant is likely to be disruptive. In summary, the available evidence is currently insufficient to determine the role of this variant in disease. Therefore, it has been classified as a Variant of Uncertain Significance.